The following is an entry in ClinVar:

NM_017654.4(SAMD9):c.2024T>G (p.Phe675Cys)

Gene: SAMD9 (sterile alpha motif domain containing 9; minus strand). Cytogenetic location: 7q21.2.
Variant type: single nucleotide variant.
Coding change: c.2024T>G on transcript NM_017654.4 (MANE Select); coding-DNA position 2024, T replaced by G.
Protein change: p.Phe675Cys; replaces phenylalanine 675 with cysteine.
Molecular consequence: missense variant.
Genome position (GRCh38, 1-based): chr7:93,104,074, A>C on the plus strand (T>G on the coding strand, the complement: SAMD9 is on the minus strand). VCF-style: chr7-93104074-A-C. GRCh37 (hg19) VCF-style: chr7-92733387-A-C.
Other names: c.2024T>G, p.Phe675Cys (NM_001193307.2); short protein forms F675C.
Identifiers: ClinVar variation 1373220 (VCV001373220.8), dbSNP rs1791586359, ClinGen allele CA368193637.

ClinVar aggregate classification (germline): Uncertain significance (1 of 4 stars; one submission).

Allele frequency attached by ClinVar (database versions not stated): gnomAD exomes below 0.00001; TOPMed below 0.00001.
gnomAD v4.1: 1 of 1,613,956 alleles (0.000062%); highest among the groups gnomAD compares: African/African-American, 0.0013%; no homozygotes.

Submission:

Labcorp Genetics (formerly Invitae), Labcorp
Classification: Uncertain significance. Last evaluated: 2025-04-28. Review status: criteria provided, single submitter. Criteria: Invitae Variant Classification Sherloc (09022015). Collection method: clinical testing. Allele origin: germline.
Comment: This sequence change replaces phenylalanine, which is neutral and non-polar, with cysteine, which is neutral and slightly polar, at codon 675 of the SAMD9 protein (p.Phe675Cys). This variant is not present in population databases (gnomAD no frequency). This variant has not been reported in the literature in individuals affected with SAMD9-related conditions. ClinVar contains an entry for this variant (Variation ID: 1373220). Invitae Evidence Modeling of protein sequence and biophysical properties (such as structural, functional, and spatial information, amino acid conservation, physicochemical variation, residue mobility, and thermodynamic stability) has been performed for this missense variant. However, the output from this modeling did not meet the statistical confidence thresholds required to predict the impact of this variant on SAMD9 protein function. In summary, the available evidence is currently insufficient to determine the role of this variant in disease. Therefore, it has been classified as a Variant of Uncertain Significance.